The following is an entry in ClinVar:

ClinVar aggregate classification (germline): Uncertain significance. Review status: criteria provided, multiple submitters, no conflicts (2 of 4 stars). 2 submissions from 2 submitters: Uncertain significance (2). Last evaluated 2025-03-26.

Conditions:
Hereditary cancer-predisposing syndrome. Also called: Hereditary neoplastic syndrome; Neoplastic Syndromes, Hereditary; Tumor predisposition; Hereditary Cancer Syndrome. Identifiers: Orphanet 140162, MedGen C0027672, MeSH D009386, MONDO:0015356.
Familial cancer of breast. Also called: Hereditary breast cancer; hereditary breast carcinoma; BREAST CANCER, FAMILIAL. Identifiers: Orphanet 227535, MedGen C0346153, MONDO:0016419, OMIM 114480. Disease mechanism: loss of function.
Fanconi anemia complementation group J. Also called: BRIP1-Related Fanconi Anemia. Identifiers: Orphanet 84, MedGen C1836860, MONDO:0012187, OMIM 609054.

Allele frequency attached by ClinVar (database versions not stated): gnomAD exomes below 0.00001.
gnomAD v4.1: 1 of 1,614,034 alleles (0.000062%); highest among the groups gnomAD compares: African/African-American, 0.0013%; no homozygotes.

Submissions (2):

Labcorp Genetics (formerly Invitae), Labcorp
Classification: Uncertain significance for Familial cancer of breast; Fanconi anemia complementation group J. Last evaluated: 2025-03-26. Review status: criteria provided, single submitter. Criteria: Invitae Variant Classification Sherloc (09022015). Collection method: clinical testing. Allele origin: germline.
Comment: This sequence change replaces aspartic acid, which is acidic and polar, with tyrosine, which is neutral and polar, at codon 361 of the BRIP1 protein (p.Asp361Tyr). This variant is present in population databases (no rsID available, gnomAD 0.007%). This variant has not been reported in the literature in individuals affected with BRIP1-related conditions. ClinVar contains an entry for this variant (Variation ID: 407804). Invitae Evidence Modeling of protein sequence and biophysical properties (such as structural, functional, and spatial information, amino acid conservation, physicochemical variation, residue mobility, and thermodynamic stability) indicates that this missense variant is not expected to disrupt BRIP1 protein function with a negative predictive value of 95%. In summary, the available evidence is currently insufficient to determine the role of this variant in disease. Therefore, it has been classified as a Variant of Uncertain Significance.

Ambry Genetics
Classification: Uncertain significance for Hereditary cancer-predisposing syndrome. Last evaluated: 2023-11-30. Review status: criteria provided, single submitter. Criteria: Ambry Variant Classification Scheme 2023. Collection method: clinical testing. Allele origin: germline.
Comment: The p.D361Y variant (also known as c.1081G>T), located in coding exon 7 of the BRIP1 gene, results from a G to T substitution at nucleotide position 1081. The aspartic acid at codon 361 is replaced by tyrosine, an amino acid with highly dissimilar properties. This amino acid position is conserved. In addition, this alteration is predicted to be tolerated by in silico analysis. Since supporting evidence is limited at this time, the clinical significance of this alteration remains unclear.

NM_032043.3(BRIP1):c.1081G>T (p.Asp361Tyr)

Gene: BRIP1 (BRCA1 interacting DNA helicase 1; minus strand). Cytogenetic location: 17q23.2.
Variant type: single nucleotide variant.
Coding change: c.1081G>T on transcript NM_032043.3 (MANE Select); coding-DNA position 1081, G replaced by T.
Protein change: p.Asp361Tyr; replaces aspartic acid 361 with tyrosine.
Molecular consequence: missense variant.
Genome position (GRCh38, 1-based): chr17:61,801,312, C>A on the plus strand (G>T on the coding strand, the complement: BRIP1 is on the minus strand). VCF-style: chr17-61801312-C-A. GRCh37 (hg19) VCF-style: chr17-59878673-C-A.
Other names: short protein forms D361Y.
Identifiers: ClinVar variation 407804 (VCV000407804.10), dbSNP rs1060501737, ClinGen allele CA16615855.